The following is an entry in ClinVar:

NM_018297.4(NGLY1):c.286G>A (p.Glu96Lys)

Gene: NGLY1 (N-glycanase 1; minus strand). Cytogenetic location: 3p24.2.
Variant type: single nucleotide variant.
Coding change: c.286G>A on transcript NM_018297.4 (MANE Select); coding-DNA position 286, G replaced by A.
Protein change: p.Glu96Lys; replaces glutamic acid 96 with lysine.
Molecular consequence: missense variant.
Genome position (GRCh38, 1-based): chr3:25,764,272, C>T on the plus strand (G>A on the coding strand, the complement: NGLY1 is on the minus strand). VCF-style: chr3-25764272-C-T. GRCh37 (hg19) VCF-style: chr3-25805763-C-T.
Other names: c.286G>A, p.Glu96Lys (NM_001145293.2, NM_001145295.2); c.160G>A, p.Glu54Lys (NM_001145294.2); short protein forms E96K, E54K.
Identifiers: ClinVar variation 541258 (VCV000541258.8), dbSNP rs777476251, ClinGen allele CA2289521.
Genomic context (GRCh38, chr3:25,764,272, plus strand): 5'-AGCCATCCAGTCTGCTACTTCTCTCTATGGCAATCAGGTCACGAATTTTTTGCAGCTGCT[C>T]CACTGAAGCTTTTTTAGGAAAGATGAGATGTGTTTCTCCCTGGAATTTATAAAATTAAAA-3'
Protein context (NP_060767.2, residues 86-106): HLIFPKKASV[Glu96Lys]QLQKIRDLIA

ClinVar aggregate classification (germline): Uncertain significance. Review status: criteria provided, multiple submitters, no conflicts (2 of 4 stars). 2 submissions from 2 submitters: Uncertain significance (2). Last evaluated 2025-07-14.

Conditions:
Inborn genetic diseases. Identifiers: MedGen C0950123, MeSH D030342.
Congenital disorder of deglycosylation (CDDG). Identifiers: MedGen C3808991, MONDO:0031376.

Allele frequency attached by ClinVar (database versions not stated): gnomAD exomes 0.00001 and 0.00002; ExAC 0.00002; gnomAD 0.00003 and 0.00004; TOPMed 0.00008.
gnomAD v4.1: 15 of 1,613,794 alleles (0.00093%); highest among the groups gnomAD compares: African/African-American, 0.016%; no homozygotes.

Submissions (2):

Labcorp Genetics (formerly Invitae), Labcorp
Classification: Uncertain significance for Congenital disorder of deglycosylation. Last evaluated: 2025-07-14. Review status: criteria provided, single submitter. Criteria: Invitae Variant Classification Sherloc (09022015). Collection method: clinical testing. Allele origin: germline.
Comment: This sequence change replaces glutamic acid, which is acidic and polar, with lysine, which is basic and polar, at codon 96 of the NGLY1 protein (p.Glu96Lys). This variant is present in population databases (rs777476251, gnomAD 0.01%). This variant has not been reported in the literature in individuals affected with NGLY1-related conditions. ClinVar contains an entry for this variant (Variation ID: 541258). Invitae Evidence Modeling of protein sequence and biophysical properties (such as structural, functional, and spatial information, amino acid conservation, physicochemical variation, residue mobility, and thermodynamic stability) indicates that this missense variant is not expected to disrupt NGLY1 protein function with a negative predictive value of 80%. In summary, the available evidence is currently insufficient to determine the role of this variant in disease. Therefore, it has been classified as a Variant of Uncertain Significance.

Ambry Genetics
Classification: Uncertain significance for Inborn genetic diseases. Last evaluated: 2024-08-26. Review status: criteria provided, single submitter. Criteria: Ambry Variant Classification Scheme 2023. Collection method: clinical testing. Allele origin: germline.